The following is an entry in ClinVar:

NM_000137.4(FAH):c.884T>C (p.Phe295Ser)

Gene: FAH (fumarylacetoacetate hydrolase; plus strand). Cytogenetic location: 15q25.1.
Variant type: single nucleotide variant.
Coding change: c.884T>C on transcript NM_000137.4 (MANE Select); coding-DNA position 884, T replaced by C.
Protein change: p.Phe295Ser; replaces phenylalanine 295 with serine.
Molecular consequence: missense variant.
Genome position (GRCh38, 1-based): chr15:80,175,062, T>C. VCF-style: chr15-80175062-T-C. GRCh37 (hg19) VCF-style: chr15-80467404-T-C.
Other names: c.884T>C, p.Phe295Ser (NM_001374377.1, NM_001374380.1); short protein forms F295S.
Identifiers: ClinVar variation 3344594 (VCV003344594.1).

ClinVar aggregate classification (germline): Uncertain significance (0 of 4 stars; one submission).

Conditions:
FAH-related disorder. Also called: FAH-related condition.

Submission:

PreventionGenetics, part of Exact Sciences
Classification: Uncertain significance for FAH-related condition. Last evaluated: 2024-08-07. Review status: no assertion criteria provided. Collection method: clinical testing. Allele origin: germline.
Comment: The FAH c.884T>C variant is predicted to result in the amino acid substitution p.Phe295Ser. To our knowledge, this variant has not been reported in the literature or in a large population database, indicating this variant is rare. At this time, the clinical significance of this variant is uncertain due to the absence of conclusive functional and genetic evidence.